The following is an entry in ClinVar:

ClinVar aggregate classification (germline): Uncertain significance. Review status: criteria provided, single submitter (1 of 4 stars). 2 submissions from 2 submitters: Uncertain significance (1). 1 of the submissions does not count toward it. Last evaluated 2024-10-30.

Conditions:
Axenfeld-Rieger syndrome type 3 (RIEG3). Also called: AXENFELD-RIEGER ANOMALY WITH CARDIAC DEFECTS AND/OR SENSORINEURAL HEARING LOSS. Identifiers: Orphanet 782, MedGen C2678503, MONDO:0011233, OMIM 602482.
FOXC1-related disorder. Also called: FOXC1-related condition.

Submissions (2):

Labcorp Genetics (formerly Invitae), Labcorp
Classification: Uncertain significance for Axenfeld-Rieger syndrome type 3. Last evaluated: 2024-10-30. Review status: criteria provided, single submitter. Criteria: Invitae Variant Classification Sherloc (09022015). Collection method: clinical testing. Allele origin: germline.
Comment: This sequence change affects codon 234 of the FOXC1 mRNA. It is a 'silent' change, meaning that it does not change the encoded amino acid sequence of the FOXC1 protein. This variant is not present in population databases (gnomAD no frequency). This variant has not been reported in the literature in individuals affected with FOXC1-related conditions. Experimental studies and prediction algorithms are not available or were not evaluated, and the effect of this variant on mRNA splicing is currently unknown. In summary, the available evidence is currently insufficient to determine the role of this variant in disease. Therefore, it has been classified as a Variant of Uncertain Significance.

PreventionGenetics, part of Exact Sciences
Classification: Likely benign for FOXC1-related condition. Last evaluated: 2024-05-05. Review status: no assertion criteria provided. Collection method: clinical testing. Allele origin: germline. Not counted in ClinVar's aggregate classification.
Comment: This variant is classified as likely benign based on ACMG/AMP sequence variant interpretation guidelines (Richards et al. 2015 PMID: 25741868, with internal and published modifications).

NM_001453.3(FOXC1):c.702C>G (p.Pro234=)

Gene: FOXC1 (forkhead box C1; plus strand). Cytogenetic location: 6p25.3.
Variant type: single nucleotide variant.
Coding change: c.702C>G on transcript NM_001453.3 (MANE Select); coding-DNA position 702, C replaced by G.
Protein change: p.Pro234=; no amino-acid change (proline 234 retained).
Molecular consequence: synonymous variant.
Genome position (GRCh38, 1-based): chr6:1,611,147, C>G. VCF-style: chr6-1611147-C-G. GRCh37 (hg19) VCF-style: chr6-1611382-C-G.
Identifiers: ClinVar variation 3356749 (VCV003356749.3).
Genomic context (GRCh38, chr6:1,611,147, plus strand): 5'-CGGTCCGCAGCCGCCGCCCGTGCGCATCCAGGACATCAAGACCGAGAACGGTACGTGCCC[C>G]TCGCCGCCCCAGCCCCTGTCCCCGGCCGCCGCCCTGGGCAGCGGCAGCGCCGCCGCGGTG-3'
Protein context (NP_001444.2, residues 224-244): QDIKTENGTC[Pro234=]SPPQPLSPAA